The following is an entry in ClinVar:

NM_000051.4(ATM):c.1401C>A (p.Asp467Glu)

Gene: ATM (ATM serine/threonine kinase; plus strand). Cytogenetic location: 11q22.3.
Variant type: single nucleotide variant.
Coding change: c.1401C>A on transcript NM_000051.4 (MANE Select); coding-DNA position 1401, C replaced by A.
Protein change: p.Asp467Glu; replaces aspartic acid 467 with glutamic acid.
Molecular consequence: missense variant.
Genome position (GRCh38, 1-based): chr11:108,250,866, C>A. VCF-style: chr11-108250866-C-A. GRCh37 (hg19) VCF-style: chr11-108121593-C-A.
Other names: c.1401C>A (NM_000051.3); c.1401C>A, p.Asp467Glu (NM_001351834.2); short protein forms D467E.
Identifiers: ClinVar variation 1464309 (VCV001464309.10), dbSNP rs2135321564, ClinGen allele CA382533930.

ClinVar aggregate classification (germline): Conflicting classifications of pathogenicity. Review status: criteria provided, conflicting classifications (1 of 4 stars). 3 submissions from 3 submitters: Uncertain significance (1); Likely benign (1). 1 of the submissions does not count toward it. Last evaluated 2026-06-23.

Conditions:
Ataxia-telangiectasia syndrome (AT). Also called: Ataxia-telangiectasia, complementation group D; AT, COMPLEMENTATION GROUP C; ATAXIA-TELANGIECTASIA, COMPLEMENTATION GROUP A; ATAXIA-TELANGIECTASIA, FRESNO VARIANT; Ataxia-telangiectasia; Ataxia-telangiectasia, complementation group E. Identifiers: Orphanet 100, MedGen C0004135, MONDO:0008840, OMIM 208900.
Hereditary cancer-predisposing syndrome. Also called: Hereditary Cancer Syndrome; Tumor predisposition; Neoplastic Syndromes, Hereditary; Hereditary neoplastic syndrome. Identifiers: Orphanet 140162, MedGen C0027672, MeSH D009386, MONDO:0015356.

Submissions (3):

Ambry Genetics
Classification: Likely benign for Hereditary cancer-predisposing syndrome. Last evaluated: 2026-06-23. Review status: criteria provided, single submitter. Criteria: Ambry Variant Classification Scheme 2023. Collection method: clinical testing. Allele origin: germline.

Labcorp Genetics (formerly Invitae), Labcorp
Classification: Uncertain significance for Ataxia-telangiectasia syndrome. Last evaluated: 2024-07-11. Review status: criteria provided, single submitter. Criteria: Invitae Variant Classification Sherloc (09022015). Collection method: clinical testing. Allele origin: germline.
Comment: This sequence change replaces aspartic acid, which is acidic and polar, with glutamic acid, which is acidic and polar, at codon 467 of the ATM protein (p.Asp467Glu). This variant is not present in population databases (gnomAD no frequency). This variant has not been reported in the literature in individuals affected with ATM-related conditions. ClinVar contains an entry for this variant (Variation ID: 1464309). An algorithm developed to predict the effect of missense changes on protein structure and function (PolyPhen-2) suggests that this variant is likely to be tolerated. In summary, the available evidence is currently insufficient to determine the role of this variant in disease. Therefore, it has been classified as a Variant of Uncertain Significance.

Natera, Inc.
Classification: Uncertain significance for Ataxia-telangiectasia. Last evaluated: 2025-01-20. Review status: no assertion criteria provided. Collection method: clinical testing. Allele origin: germline. Not counted in ClinVar's aggregate classification.